The following is an entry in ClinVar:

ClinVar aggregate classification (germline): Uncertain significance (1 of 4 stars; one submission).

Conditions:
ADCY3-related disorder. Also called: ADCY3-related condition.

Submission:

PreventionGenetics, part of Exact Sciences
Classification: Uncertain significance for ADCY3-related condition. Last evaluated: 2024-12-12. Review status: criteria provided, single submitter. Criteria: ACMG Guidelines, 2015. Collection method: clinical testing. Allele origin: germline.
Comment: The ADCY3 c.2080T>A variant is predicted to result in the amino acid substitution p.Phe694Ile. To our knowledge, this variant has not been reported in the literature or in a large population database (gnomAD), indicating this variant is rare. At this time, the clinical significance of this variant is uncertain due to the absence of conclusive functional and genetic evidence.

NM_004036.5(ADCY3):c.2080T>A (p.Phe694Ile)

Gene: ADCY3 (adenylate cyclase 3; minus strand). Cytogenetic location: 2p23.3.
Variant type: single nucleotide variant.
Coding change: c.2080T>A on transcript NM_004036.5 (MANE Select); coding-DNA position 2080, T replaced by A.
Protein change: p.Phe694Ile; replaces phenylalanine 694 with isoleucine.
Molecular consequence: missense variant.
Genome position (GRCh38, 1-based): chr2:24,830,801, A>T on the plus strand (T>A on the coding strand, the complement: ADCY3 is on the minus strand). VCF-style: chr2-24830801-A-T. GRCh37 (hg19) VCF-style: chr2-25053670-A-T.
Other names: c.2080T>A, p.Phe694Ile (NM_001320613.2, NM_001377129.1, NM_001377130.1 and 1 more transcripts); c.2146T>A, p.Phe716Ile (NM_001377128.1); c.1357T>A, p.Phe453Ile (NM_001377131.1); short protein forms F453I, F694I, F716I.
Identifiers: ClinVar variation 5001888 (VCV005001888.1).